The following is an entry in ClinVar:

ClinVar aggregate classification (germline): Uncertain significance. Review status: criteria provided, multiple submitters, no conflicts (2 of 4 stars). 3 submissions from 3 submitters: Uncertain significance (3). Last evaluated 2026-05-05.

Conditions:
Hypertrophic cardiomyopathy. Also called: HYPERTROPHIC MYOCARDIOPATHY. Identifiers: Orphanet 217569, MedGen C0007194, MeSH D002312, MONDO:0005045, HP:0001639.

Allele frequency attached by ClinVar (database versions not stated): gnomAD exomes below 0.00001; TOPMed 0.00002.
gnomAD v4.1: 2 of 1,558,182 alleles (0.00013%); highest among the groups gnomAD compares: East Asian, 0.0024%; no homozygotes.

Submissions (3):

GeneDx
Classification: Uncertain significance. Last evaluated: 2026-05-05. Review status: criteria provided, single submitter. Criteria: GeneDx Variant Classification Process June 2021. Collection method: clinical testing. Allele origin: germline.
Comment: Not observed at significant frequency in large population cohorts (gnomAD); In silico analyses suggest that this missense variant does not alter protein structure/function but are inconclusive as to whether the variant alters gene splicing; in the absence of RNA/functional studies, the actual effect of this sequence change is unknown; Has not been previously published as pathogenic or benign to our knowledge

All of Us Research Program, National Institutes of Health
Classification: Uncertain significance for Hypertrophic cardiomyopathy. Last evaluated: 2024-07-29. Review status: criteria provided, single submitter. Criteria: ACMG Guidelines, 2015. Collection method: clinical testing. Allele origin: germline. Inheritance: Autosomal dominant inheritance. Observed: 1 variant allele, 1 heterozygote.
Comment: This missense variant replaces glycine with arginine at codon 136 of the MYBPC3 protein. Computational prediction suggests that this variant may not impact protein structure and function (internally defined REVEL score threshold <= 0.5, PMID: 27666373). To our knowledge, functional studies have not been reported for this variant. This variant has not been reported in individuals affected with MYBPC3-related disorders in the literature. This variant has been identified in 1/167850 chromosomes in the general population by the Genome Aggregation Database (gnomAD). The available evidence is insufficient to determine the role of this variant in disease conclusively. Therefore, this variant is classified as a Variant of Uncertain Significance.

This study involves interpretation of variants in research participants for the purpose of population health screening. Participant phenotype was not available at the time of variant classification. Additional details can be found in publication PMID: 35346344, PMCID: PMC8962531

Labcorp Genetics (formerly Invitae), Labcorp
Classification: Uncertain significance for Hypertrophic cardiomyopathy. Last evaluated: 2023-05-21. Review status: criteria provided, single submitter. Criteria: Invitae Variant Classification Sherloc (09022015). Collection method: clinical testing. Allele origin: germline.
Comment: This sequence change replaces glycine, which is neutral and non-polar, with arginine, which is basic and polar, at codon 136 of the MYBPC3 protein (p.Gly136Arg). This variant also falls at the last nucleotide of exon 3, which is part of the consensus splice site for this exon. This variant is present in population databases (no rsID available, gnomAD 0.009%). This variant has not been reported in the literature in individuals affected with MYBPC3-related conditions. An algorithm developed to predict the effect of missense changes on protein structure and function (PolyPhen-2) suggests that this variant¬¨‚Ä† is likely to be tolerated. Variants that disrupt the consensus splice site are a relatively common cause of aberrant splicing (PMID: 17576681, 9536098). Algorithms developed to predict the effect of sequence changes on RNA splicing suggest that this variant may disrupt the consensus splice site. In summary, the available evidence is currently insufficient to determine the role of this variant in disease. Therefore, it has been classified as a Variant of Uncertain Significance.

Literature cited by the submitters: PubMed 17576681 (cited by Labcorp Genetics (formerly Invitae), Labcorp); PubMed 9536098 (cited by Labcorp Genetics (formerly Invitae), Labcorp).

NM_000256.3(MYBPC3):c.406G>C (p.Gly136Arg)

Gene: MYBPC3 (myosin binding protein C3; minus strand). Cytogenetic location: 11p11.2.
Variant type: single nucleotide variant.
Coding change: c.406G>C on transcript NM_000256.3 (MANE Select); coding-DNA position 406, G replaced by C.
Protein change: p.Gly136Arg; replaces glycine 136 with arginine.
Molecular consequence: missense variant.
Genome position (GRCh38, 1-based): chr11:47,350,502, C>G on the plus strand (G>C on the coding strand, the complement: MYBPC3 is on the minus strand). VCF-style: chr11-47350502-C-G. GRCh37 (hg19) VCF-style: chr11-47372053-C-G.
Other names: short protein forms G136R.
Identifiers: ClinVar variation 2913253 (VCV002913253.5), dbSNP rs730880613, ClinGen allele CA380339255.
Genomic context (GRCh38, chr11:47,350,502, plus strand): 5'-GACCTGCCCTGGACACGCCCTACCCACGGATCCTGCCCCTCCCTGCCCAGCCCCTCTCAC[C>G]TTTGGGACTTGGGGCACTTTCTCCCAGCTCAGCGGCTGGGGCCGGGGCTTCTCCAGGGGC-3'
Protein context (NP_000247.2, residues 126-146): ELGESAPSPK[Gly136Arg]SSSAALNGPT